The following is an entry in ClinVar:

ClinVar aggregate classification (germline): Likely benign. Review status: criteria provided, multiple submitters, no conflicts (2 of 4 stars). 2 submissions from 2 submitters: Likely benign (2). Last evaluated 2026-07-01.

Conditions:
Amyotrophic lateral sclerosis type 6. Also called: FUS-Related Amyotrophic Laterial Sclerosis; AMYOTROPHIC LATERAL SCLEROSIS 6 WITHOUT FRONTOTEMPORAL DEMENTIA; Amyotrophic lateral sclerosis 6, with or without frontotemporal dementia. Identifiers: Orphanet 275872, Orphanet 803, MedGen C2931786, MONDO:0011951, OMIM 608030.

Allele frequency attached by ClinVar (database versions not stated): ExAC 0.00046; 1000 Genomes Project 0.00140; gnomAD exomes 0.00203 and 0.00277; TOPMed 0.00266; gnomAD 0.00263 and 0.00272; 1000 Genomes Project 30x 0.00141.
gnomAD v4.1: 1,439 of 527,736 alleles (0.27%); highest among the groups gnomAD compares: Non-Finnish European, 0.43%; 2 homozygotes.

Submissions (2):

CeGaT Center for Human Genetics Tuebingen
Classification: Likely benign. Last evaluated: 2026-07-01. Review status: criteria provided, single submitter. Criteria: CeGaT Center For Human Genetics Tuebingen Variant Classification Criteria Version 2. Collection method: clinical testing. Allele origin: germline. Affected: yes. Observed: 3 variant alleles.
Comment: FUS: BS1

Illumina Laboratory Services, Illumina
Classification: Likely benign for Amyotrophic lateral sclerosis type 6. Last evaluated: 2018-01-13. Review status: criteria provided, single submitter. Criteria: ICSL Variant Classification Criteria 13 December 2019. Collection method: clinical testing. Allele origin: germline.
Comment: This variant was observed in the ICSL laboratory as part of a predisposition screen in an ostensibly healthy population. It had not been previously curated by ICSL or reported in the Human Gene Mutation Database (HGMD: prior to June 1st, 2018), and was therefore a candidate for classification through an automated scoring system. Utilizing variant allele frequency, disease prevalence and penetrance estimates, and inheritance mode, an automated score was calculated to assess if this variant is too frequent to cause the disease. Based on the score and internal cut-off values, a variant classified as likely benign is not then subjected to further curation. The score for this variant resulted in a classification of likely benign for this disease.

NM_004960.3(FUS):c.*1998T>C

Gene: FUS (FUS DNA/RNA binding protein; plus strand). Cytogenetic location: 16p11.2.
Variant type: single nucleotide variant.
Coding change: c.*1998T>C on transcript NM_004960.3; 1998 bases downstream of the stop codon, T replaced by C.
Molecular consequence: 3 prime UTR variant (on NM_001170634.1). On other transcripts: non-coding transcript variant (1).
Genome position (GRCh38, 1-based): chr16:31,193,436, T>C. VCF-style: chr16-31193436-T-C. GRCh37 (hg19) VCF-style: chr16-31204757-T-C.
Other names: c.*1998T>C (NM_001170634.1, NM_001170937.1).
Identifiers: ClinVar variation 319033 (VCV000319033.9), dbSNP rs182437252, ClinGen allele CA8024293.